The following is an entry in ClinVar:

NM_001144967.3(NEDD4L):c.377A>G (p.Tyr126Cys)

Gene: NEDD4L (NEDD4 like E3 ubiquitin protein ligase; plus strand). Cytogenetic location: 18q21.31.
Variant type: single nucleotide variant.
Coding change: c.377A>G on transcript NM_001144967.3 (MANE Select); coding-DNA position 377, A replaced by G.
Protein change: p.Tyr126Cys; replaces tyrosine 126 with cysteine.
Molecular consequence: missense variant.
Genome position (GRCh38, 1-based): chr18:58,322,453, A>G. VCF-style: chr18-58322453-A-G. GRCh37 (hg19) VCF-style: chr18-55989685-A-G.
Other names: c.14A>G, p.Tyr5Cys (NM_001144964.1, NM_001144965.2, NM_001144966.3 and 2 more transcripts); c.353A>G, p.Tyr118Cys (NM_001144968.2, NM_001144969.2); c.377A>G, p.Tyr126Cys (NM_001243960.2, NM_015277.6); c.1214A>G, p.Tyr405Cys (NM_001437337.1); short protein forms Y126C, Y5C, Y118C, Y405C.
Identifiers: ClinVar variation 4771766 (VCV004771766.1).

ClinVar aggregate classification (germline): Uncertain significance (1 of 4 stars; one submission).

gnomAD v4.1: 15 of 1,609,666 alleles (0.00093%); highest among the groups gnomAD compares: Non-Finnish European, 0.0013%; no homozygotes.

Submission:

Labcorp Genetics (formerly Invitae), Labcorp
Classification: Uncertain significance. Last evaluated: 2025-12-16. Review status: criteria provided, single submitter. Criteria: Invitae Variant Classification Sherloc (09022015). Collection method: clinical testing. Allele origin: germline.
Comment: This sequence change replaces tyrosine, which is neutral and polar, with cysteine, which is neutral and slightly polar, at codon 126 of the NEDD4L protein (p.Tyr126Cys). The frequency data for this variant in the population databases is considered unreliable, as metrics indicate poor data quality at this position in the gnomAD database. This variant has not been reported in the literature in individuals affected with NEDD4L-related conditions. An algorithm developed to predict the effect of missense changes on protein structure and function (PolyPhen-2) suggests that this variant is likely to be tolerated. In summary, the available evidence is currently insufficient to determine the role of this variant in disease. Therefore, it has been classified as a Variant of Uncertain Significance.